The following is an entry in ClinVar:

NM_015662.3(IFT172):c.4028T>C (p.Ile1343Thr)

Gene: IFT172 (intraflagellar transport 172; minus strand). Cytogenetic location: 2p23.3.
Variant type: single nucleotide variant.
Coding change: c.4028T>C on transcript NM_015662.3 (MANE Select); coding-DNA position 4028, T replaced by C.
Protein change: p.Ile1343Thr; replaces isoleucine 1343 with threonine.
Molecular consequence: missense variant.
Genome position (GRCh38, 1-based): chr2:27,450,020, A>G on the plus strand (T>C on the coding strand, the complement: IFT172 is on the minus strand). VCF-style: chr2-27450020-A-G. GRCh37 (hg19) VCF-style: chr2-27672887-A-G.
Other names: c.3962T>C, p.Ile1321Thr (NM_001410739.1); short protein forms I1321T, I1343T.
Identifiers: ClinVar variation 3352209 (VCV003352209.2).
Genomic context (GRCh38, chr2:27,450,020, plus strand): 5'-TGAAATCTATTTCTGTTCCATCTCAGCATCCTACTTACTGCACTGTGCTTTCCAATTCCA[A>G]TCAGCTGGGGTCCTACAGCCAGAACGACTTCCATATTACGTTGGGGAGGCAGAAACTTGA-3'
Protein context (NP_056477.1, residues 1333-1353): EVVLAVGPQL[Ile1343Thr]GIGKHSAAAE

ClinVar aggregate classification (germline): Uncertain significance. Review status: criteria provided, single submitter (1 of 4 stars). 2 submissions from 2 submitters: Uncertain significance (1). 1 of the submissions does not count toward it. Last evaluated 2022-08-03.

Conditions:
IFT172-related disorder. Also called: IFT172-related condition; IFT172-related disorders.

gnomAD v4.1: 13 of 1,613,736 alleles (0.00081%); highest among the groups gnomAD compares: Non-Finnish European, 0.001%; no homozygotes.

Submissions (2):

Blueprint Genetics
Classification: Uncertain significance. Last evaluated: 2022-08-03. Review status: criteria provided, single submitter. Criteria: ACMG Guidelines, 2015. Collection method: clinical testing. Allele origin: germline.

PreventionGenetics, part of Exact Sciences
Classification: Uncertain significance for IFT172-related condition. Last evaluated: 2023-10-27. Review status: no assertion criteria provided. Collection method: clinical testing. Allele origin: germline. Not counted in ClinVar's aggregate classification.
Comment: The IFT172 c.4028T>C variant is predicted to result in the amino acid substitution p.Ile1343Thr. To our knowledge, this variant has not been reported in the literature. This variant is reported in 0.0099% of alleles in individuals of Ashkenazi Jewish descent in gnomAD. At this time, the clinical significance of this variant is uncertain due to the absence of conclusive functional and genetic evidence.